The following is an entry in ClinVar:

NM_022081.6(HPS4):c.41+1G>A

Gene: HPS4 (HPS4 biogenesis of lysosomal organelles complex 3 subunit 2; minus strand). Cytogenetic location: 22q12.1.
Variant type: single nucleotide variant.
Coding change: c.41+1G>A on transcript NM_022081.6 (MANE Select); the canonical splice donor site of the intron after coding-DNA position 41, G replaced by A.
Molecular consequence: splice donor variant.
Genome position (GRCh38, 1-based): chr22:26,481,721, C>T on the plus strand (G>A on the coding strand, the complement: HPS4 is on the minus strand). VCF-style: chr22-26481721-C-T. GRCh37 (hg19) VCF-style: chr22-26877687-C-T.
Other names: c.41+1G>A (NM_001349905.1, NM_001349904.2, NM_001349902.1 and 7 more transcripts).
Identifiers: ClinVar variation 2034491 (VCV002034491.4), dbSNP rs1472002787, ClinGen allele CA411033881.

ClinVar aggregate classification (germline): Likely pathogenic (1 of 4 stars; one submission).

Allele frequency attached by ClinVar (database versions not stated): TOPMed 0.00001.

Submission:

Labcorp Genetics (formerly Invitae), Labcorp
Classification: Likely pathogenic. Last evaluated: 2023-08-18. Review status: criteria provided, single submitter. Criteria: Invitae Variant Classification Sherloc (09022015). Collection method: clinical testing. Allele origin: germline.
Comment: In summary, the currently available evidence indicates that the variant is pathogenic, but additional data are needed to prove that conclusively. Therefore, this variant has been classified as Likely Pathogenic. Algorithms developed to predict the effect of sequence changes on RNA splicing suggest that this variant may disrupt the consensus splice site. ClinVar contains an entry for this variant (Variation ID: 2034491). This variant has not been reported in the literature in individuals affected with HPS4-related conditions. This variant is not present in population databases (gnomAD no frequency). This sequence change affects a donor splice site in intron 2 of the HPS4 gene. It is expected to disrupt RNA splicing. Variants that disrupt the donor or acceptor splice site typically lead to a loss of protein function (PMID: 16199547), and loss-of-function variants in HPS4 are known to be pathogenic (PMID: 12664304).

Literature cited by the submitters: PubMed 16199547; PubMed 12664304.